The following is an entry in ClinVar:

ClinVar aggregate classification (germline): Uncertain significance. Review status: criteria provided, multiple submitters, no conflicts (2 of 4 stars). 2 submissions from 2 submitters: Uncertain significance (2). Last evaluated 2021-12-20.

Conditions:
Acromesomelic dysplasia 1, Maroteaux type (AMD1). Also called: ACROMESOMELIC DYSPLASIA 1; ST. HELENA DYSPLASIA. Identifiers: Orphanet 40, MedGen C1864356, MONDO:0011275, OMIM 602875.
Short stature with nonspecific skeletal abnormalities. Identifiers: MedGen C4225399, MONDO:0975810.
Tall stature-scoliosis-macrodactyly of the great toes syndrome. Also called: Epiphyseal chondrodysplasia, miura type. Identifiers: Orphanet 329191, MedGen C4014690, MONDO:0014401, OMIM 615923.

Submissions (2):

Fulgent Genetics
Classification: Uncertain significance for Acromesomelic dysplasia 1, Maroteaux type; Tall stature-scoliosis-macrodactyly of the great toes syndrome; Short stature with nonspecific skeletal abnormalities 1. Last evaluated: 2021-12-20. Review status: criteria provided, single submitter. Criteria: ACMG Guidelines, 2015. Collection method: clinical testing. Allele origin: unknown.

Labcorp Genetics (formerly Invitae), Labcorp
Classification: Uncertain significance for Tall stature-scoliosis-macrodactyly of the great toes syndrome; Acromesomelic dysplasia 1, Maroteaux type. Last evaluated: 2021-11-15. Review status: criteria provided, single submitter. Criteria: Invitae Variant Classification Sherloc (09022015). Collection method: clinical testing. Allele origin: germline.
Comment: In summary, the available evidence is currently insufficient to determine the role of this variant in disease. Therefore, it has been classified as a Variant of Uncertain Significance. Variants that disrupt the consensus splice site are a relatively common cause of aberrant splicing (PMID: 17576681, 9536098). Algorithms developed to predict the effect of sequence changes on RNA splicing suggest that this variant may disrupt the consensus splice site. Algorithms developed to predict the effect of missense changes on protein structure and function (SIFT, PolyPhen-2, Align-GVGD) all suggest that this variant is likely to be disruptive. This missense change has been observed in individual(s) with clinical features of acromesomelic dysplasia (Invitae). In at least one individual the data is consistent with being in trans (on the opposite chromosome) from a pathogenic variant. This variant is not present in population databases (gnomAD no frequency). This sequence change replaces glycine, which is neutral and non-polar, with serine, which is neutral and polar, at codon 375 of the NPR2 protein (p.Gly375Ser). This variant also falls at the last nucleotide of exon 4, which is part of the consensus splice site for this exon.

Literature cited by the submitters: PubMed 17576681 (cited by Labcorp Genetics (formerly Invitae), Labcorp); PubMed 9536098 (cited by Labcorp Genetics (formerly Invitae), Labcorp).

NM_003995.4(NPR2):c.1123G>A (p.Gly375Ser)

Gene: NPR2 (natriuretic peptide receptor 2; plus strand). Cytogenetic location: 9p13.3.
Variant type: single nucleotide variant.
Coding change: c.1123G>A on transcript NM_003995.4 (MANE Select); coding-DNA position 1123, G replaced by A.
Protein change: p.Gly375Ser; replaces glycine 375 with serine.
Molecular consequence: missense variant.
Genome position (GRCh38, 1-based): chr9:35,800,157, G>A. VCF-style: chr9-35800157-G-A. GRCh37 (hg19) VCF-style: chr9-35800154-G-A.
Other names: c.1123G>A, p.Gly375Ser (NM_001378923.1); short protein forms G375S.
Identifiers: ClinVar variation 1440810 (VCV001440810.7), dbSNP rs1828095529, ClinGen allele CA373370383.